The following is an entry in ClinVar:

ClinVar aggregate classification (germline): Benign/Likely benign. Review status: criteria provided, multiple submitters, no conflicts (2 of 4 stars). 7 submissions from 7 submitters: Benign (1); Likely benign (6). Last evaluated 2025-10-07.

Conditions:
Familial adenomatous polyposis 1 (FAP1). Also called: FAMILIAL ADENOMATOUS POLYPOSIS 1, ATTENUATED; POLYPOSIS, ADENOMATOUS INTESTINAL. Identifiers: MedGen C2713442, MONDO:0021056, OMIM 175100. Disease mechanism: loss of function.
Hereditary cancer-predisposing syndrome. Also called: Neoplastic Syndromes, Hereditary; Tumor predisposition; Hereditary Cancer Syndrome; Hereditary neoplastic syndrome. Identifiers: Orphanet 140162, MedGen C0027672, MeSH D009386, MONDO:0015356.
Classic or attenuated familial adenomatous polyposis. Identifiers: MedGen CN372698, MONDO:0021057.

Allele frequency attached by ClinVar (database versions not stated): gnomAD exomes below 0.00001.
gnomAD v4.1: 3 of 1,614,112 alleles (0.00019%); highest among the groups gnomAD compares: East Asian, 0.0022%; no homozygotes.

Submissions (7):

Labcorp Genetics (formerly Invitae), Labcorp
Classification: Likely benign for Familial adenomatous polyposis 1. Last evaluated: 2025-10-07. Review status: criteria provided, single submitter. Criteria: Invitae Variant Classification Sherloc (09022015). Collection method: clinical testing. Allele origin: germline.

Center for Genomic Medicine, Rigshospitalet, Copenhagen University Hospital
Classification: Likely benign. Last evaluated: 2025-03-04. Review status: criteria provided, single submitter. Criteria: ACMG Guidelines, 2015. Collection method: clinical testing. Allele origin: germline.

Myriad Genetics, Inc.
Classification: Benign for Familial adenomatous polyposis 1. Last evaluated: 2024-03-28. Review status: criteria provided, single submitter. Criteria: Myriad Autosomal Dominant, Autosomal Recessive and X-Linked Classification Criteria (2023). Collection method: clinical testing. Allele origin: unknown.
Comment: This variant is considered benign. This variant is a silent/synonymous amino acid change and it is not expected to impact splicing.

All of Us Research Program, National Institutes of Health
Classification: Likely benign for Classic or attenuated familial adenomatous polyposis. Last evaluated: 2023-05-04. Review status: criteria provided, single submitter. Criteria: ACMG Guidelines, 2015. Collection method: clinical testing. Allele origin: germline. Inheritance: Autosomal dominant inheritance. Observed: 1 variant allele, 1 heterozygote.
Comment: This study involves interpretation of variants in research participants for the purpose of population health screening. Participant phenotype was not available at the time of variant classification. Additional details can be found in publication PMID: 35346344, PMCID: PMC8962531

Color Diagnostics, LLC DBA Color Health
Classification: Likely benign for Hereditary cancer-predisposing syndrome. Last evaluated: 2020-05-11. Review status: criteria provided, single submitter. Criteria: ACMG Guidelines, 2015. Collection method: clinical testing. Allele origin: germline.

GeneDx
Classification: Likely benign. Last evaluated: 2019-03-28. Review status: criteria provided, single submitter. Criteria: GeneDx Variant Classification Process June 2021. Collection method: clinical testing. Allele origin: germline. Affected: yes.

Ambry Genetics
Classification: Likely benign for Hereditary cancer-predisposing syndrome. Last evaluated: 2016-09-02. Review status: criteria provided, single submitter. Criteria: Ambry Variant Classification Scheme 2023. Collection method: clinical testing. Allele origin: germline.

NM_000038.6(APC):c.4986C>T (p.Ile1662=)

Gene: APC (APC regulator of Wnt signaling pathway; plus strand). Cytogenetic location: 5q22.2.
Variant type: single nucleotide variant.
Coding change: c.4986C>T on transcript NM_000038.6 (MANE Select); coding-DNA position 4986, C replaced by T.
Protein change: p.Ile1662=; no amino-acid change (isoleucine 1662 retained).
Molecular consequence: synonymous variant.
Genome position (GRCh38, 1-based): chr5:112,840,580, C>T. VCF-style: chr5-112840580-C-T. GRCh37 (hg19) VCF-style: chr5-112176277-C-T.
Other names: c.4986C>T, p.Ile1662= (NM_001127510.3, NM_001354895.2); c.4932C>T, p.Ile1644= (NM_001127511.3); c.5040C>T, p.Ile1680= (NM_001354896.2); c.5016C>T, p.Ile1672= (NM_001354897.2); c.4911C>T, p.Ile1637= (NM_001354898.2); c.4902C>T, p.Ile1634= (NM_001354899.2); c.4863C>T, p.Ile1621= (NM_001354900.2); c.4809C>T, p.Ile1603= (NM_001354901.2); and 5 more.
Identifiers: ClinVar variation 231025 (VCV000231025.25), dbSNP rs876658910, ClinGen allele CA10578388.